The following is an entry in ClinVar:

NM_001220.5(CAMK2B):c.1082dup (p.Asn361fs)

Gene: CAMK2B (calcium/calmodulin dependent protein kinase II beta; minus strand). Cytogenetic location: 7p13.
Variant type: Duplication.
Coding change: c.1082dup on transcript NM_001220.5 (MANE Select); coding-DNA position 1082, one base duplicated (A; older notation c.1082dupA).
Protein change: p.Asn361fs; shifts the reading frame from asparagine 361.
Molecular consequence: frameshift variant. On other transcripts: intron variant (3).
Genome position (GRCh38, 1-based): chr7:44,234,439, T duplicated on the plus strand (A on the coding strand, the reverse complement: CAMK2B is on the minus strand); the first of 5 consecutive T bases (chr7:44,234,439-44,234,443); duplicating any one gives the same sequence. VCF-style (leftmost placement, unchanged base first): chr7-44234438-G-GT. GRCh37 (hg19) VCF-style: chr7-44274037-G-GT.
Other names: c.1082dup, p.Asn361fs (NM_001293170.2, NM_172078.3); c.1010dup, p.Asn337fs (NM_172079.3, NM_172081.3); c.1007dup, p.Asn336fs (NM_172080.3); c.946+6268dup (NM_172084.3); c.987+200dup (NM_172083.3); c.1059+200dup (NM_172082.3); short protein forms N336fs, N337fs, N361fs.
Identifiers: ClinVar variation 4278905 (VCV004278905.1).
Genomic context (GRCh38, chr7:44,234,438, plus strand): 5'-GGAGCTCAGTACCAGGGCGGCAGGAGGAAGCGTCCCTTTGGGGCTGGTGGCGGCTGCACT[G>GT]TTTTTGGTGCTATTCGTCTGGGGCTGTGGAGAGAGGGAAGAGGAACTCTTAGGTGGGAGA-3'

ClinVar aggregate classification (germline): Uncertain significance (1 of 4 stars; one submission).

Submission:

GeneDx
Classification: Uncertain significance. Last evaluated: 2025-04-02. Review status: criteria provided, single submitter. Criteria: GeneDx Variant Classification Process June 2021. Collection method: clinical testing. Allele origin: germline. Affected: yes.
Comment: Not observed at significant frequency in large population cohorts (gnomAD); Frameshift variant predicted to result in protein truncation or nonsense mediated decay in a gene or region of a gene for which loss of function is not a well-established mechanism of disease; Has not been previously published as pathogenic or benign to our knowledge